The following is an entry in ClinVar:

ClinVar aggregate classification (germline): Uncertain significance (1 of 4 stars; one submission).

gnomAD v4.1: 15 of 1,613,698 alleles (0.00093%); highest among the groups gnomAD compares: Admixed American, 0.005%; no homozygotes.

Submission:

Labcorp Genetics (formerly Invitae), Labcorp
Classification: Uncertain significance. Last evaluated: 2025-12-01. Review status: criteria provided, single submitter. Criteria: Invitae Variant Classification Sherloc (09022015). Collection method: clinical testing. Allele origin: germline.
Comment: This sequence change replaces proline, which is neutral and non-polar, with alanine, which is neutral and non-polar, at codon 776 of the BACH2 protein (p.Pro776Ala). This variant is present in population databases (rs200671083, gnomAD 0.01%). This variant has not been reported in the literature in individuals affected with BACH2-related conditions. ClinVar contains an entry for this variant (Variation ID: 3011973). Invitae Evidence Modeling of protein sequence and biophysical properties (such as structural, functional, and spatial information, amino acid conservation, physicochemical variation, residue mobility, and thermodynamic stability) indicates that this missense variant is not expected to disrupt BACH2 protein function with a negative predictive value of 80%. In summary, the available evidence is currently insufficient to determine the role of this variant in disease. Therefore, it has been classified as a Variant of Uncertain Significance.

NM_021813.4(BACH2):c.2326C>G (p.Pro776Ala)

Gene: BACH2 (BACH transcriptional regulator 2; minus strand). Cytogenetic location: 6q15.
Variant type: single nucleotide variant.
Coding change: c.2326C>G on transcript NM_021813.4 (MANE Select); coding-DNA position 2326, C replaced by G.
Protein change: p.Pro776Ala; replaces proline 776 with alanine.
Molecular consequence: missense variant.
Genome position (GRCh38, 1-based): chr6:89,932,608, G>C on the plus strand (C>G on the coding strand, the complement: BACH2 is on the minus strand). VCF-style: chr6-89932608-G-C. GRCh37 (hg19) VCF-style: chr6-90642327-G-C.
Other names: c.2326C>G, p.Pro776Ala (NM_001170794.2); short protein forms P776A.
Identifiers: ClinVar variation 3011973 (VCV003011973.3), dbSNP rs200671083, ClinGen allele CA3927810.